The following is an entry in ClinVar:

ClinVar aggregate classification (germline): Likely benign. Review status: criteria provided, multiple submitters, no conflicts (2 of 4 stars). 2 submissions from 2 submitters: Likely benign (2). Last evaluated 2026-08-02.

Conditions:
ABCC2-related disorder. Also called: ABCC2-related condition.

Allele frequency attached by ClinVar (database versions not stated): ExAC 0.00001; gnomAD 0.00001; gnomAD exomes 0.00002.
gnomAD v4.1: 25 of 1,613,754 alleles (0.0015%); highest among the groups gnomAD compares: Middle Eastern, 0.016%; no homozygotes.

Submissions (2):

PreventionGenetics, part of Exact Sciences
Classification: Likely benign for ABCC2-related condition. Last evaluated: 2026-08-02. Review status: criteria provided, single submitter. Criteria: ACMG Guidelines, 2015. Collection method: clinical testing. Allele origin: germline.
Comment: This variant is classified as likely benign based on ACMG/AMP sequence variant interpretation guidelines (Richards et al. 2015 PMID: 25741868, with internal and published modifications).

Labcorp Genetics (formerly Invitae), Labcorp
Classification: Likely benign. Last evaluated: 2023-11-14. Review status: criteria provided, single submitter. Criteria: Invitae Variant Classification Sherloc (09022015). Collection method: clinical testing. Allele origin: germline.

NM_000392.5(ABCC2):c.1375T>C (p.Leu459=)

Gene: ABCC2 (ATP binding cassette subfamily C member 2; plus strand). Cytogenetic location: 10q24.2.
Variant type: single nucleotide variant.
Coding change: c.1375T>C on transcript NM_000392.5 (MANE Select); coding-DNA position 1375, T replaced by C.
Protein change: p.Leu459=; no amino-acid change (leucine 459 retained).
Molecular consequence: synonymous variant.
Genome position (GRCh38, 1-based): chr10:99,804,184, T>C. VCF-style: chr10-99804184-T-C. GRCh37 (hg19) VCF-style: chr10-101563941-T-C.
Other names: c.1375T>C (NM_000392.4).
Identifiers: ClinVar variation 2876402 (VCV002876402.4), dbSNP rs766754159, ClinGen allele CA5643156.
Genomic context (GRCh38, chr10:99,804,184, plus strand): 5'-CACATGCTGTGGTCAAGTGTTCTACAGATTGTCTTATCTATCTTCTTCCTATGGAGAGAG[T>C]TGGGACCCTCAGTCTTAGCAGGTGTTGGGGTGATGGTGCTTGTAATCCCAATTAATGCGA-3'
Protein context (NP_000383.2, residues 449-469): VLSIFFLWRE[Leu459=]GPSVLAGVGV